The following is an entry in ClinVar:

NM_000368.5(TSC1):c.2436A>G (p.Ile812Met)

Gene: TSC1 (TSC complex subunit 1; minus strand). Cytogenetic location: 9q34.13.
Variant type: single nucleotide variant.
Coding change: c.2436A>G on transcript NM_000368.5 (MANE Select); coding-DNA position 2436, A replaced by G.
Protein change: p.Ile812Met; replaces isoleucine 812 with methionine.
Molecular consequence: missense variant. On other transcripts: non-coding transcript variant (5).
Genome position (GRCh38, 1-based): chr9:132,901,655, T>C on the plus strand (A>G on the coding strand, the complement: TSC1 is on the minus strand). VCF-style: chr9-132901655-T-C. GRCh37 (hg19) VCF-style: chr9-135777042-T-C.
Other names: c.2433A>G, p.Ile811Met (NM_001406599.1, NM_001406600.1, NM_001406608.1 and 4 more transcripts); c.2421A>G, p.Ile807Met (NM_001406601.1, NM_001406602.1); c.2418A>G, p.Ile806Met (NM_001406603.1, NM_001406604.1); c.2436A>G, p.Ile812Met (NM_001406605.1, NM_001406606.1, NM_001406607.1 and 5 more transcripts); c.2073A>G, p.Ile691Met (NM_001406618.1, NM_001406619.1, NM_001406624.1 and 5 more transcripts); c.2070A>G, p.Ile690Met (NM_001406620.1, NM_001406621.1, NM_001406622.1 and 2 more transcripts); c.1485A>G, p.Ile495Met (NM_001406626.1); c.1482A>G, p.Ile494Met (NM_001406627.1, NM_001406628.1); and 3 more; short protein forms I461M, I691M, I494M, I690M, I761M, I807M, I811M, I495M.
Identifiers: ClinVar variation 2699146 (VCV002699146.3), dbSNP rs2131707191, ClinGen allele CA375358606.

ClinVar aggregate classification (germline): Uncertain significance (1 of 4 stars; one submission).

Conditions:
Tuberous sclerosis 1 (TSC1). Identifiers: Orphanet 805, MedGen C1854465, MONDO:0008612, OMIM 191100.

Allele frequency attached by ClinVar (database versions not stated): gnomAD exomes below 0.00001.
gnomAD v4.1: 1 of 1,614,164 alleles (0.000062%); highest among the groups gnomAD compares: South Asian, 0.0011%; no homozygotes.

Submission:

Labcorp Genetics (formerly Invitae), Labcorp
Classification: Uncertain significance for Tuberous sclerosis 1. Last evaluated: 2023-11-27. Review status: criteria provided, single submitter. Criteria: Invitae Variant Classification Sherloc (09022015). Collection method: clinical testing. Allele origin: germline.
Comment: This sequence change replaces isoleucine, which is neutral and non-polar, with methionine, which is neutral and non-polar, at codon 812 of the TSC1 protein (p.Ile812Met). This variant is not present in population databases (gnomAD no frequency). This variant has not been reported in the literature in individuals affected with TSC1-related conditions. Advanced modeling of protein sequence and biophysical properties (such as structural, functional, and spatial information, amino acid conservation, physicochemical variation, residue mobility, and thermodynamic stability) performed at Invitae indicates that this missense variant is not expected to disrupt TSC1 protein function with a negative predictive value of 95%. In summary, the available evidence is currently insufficient to determine the role of this variant in disease. Therefore, it has been classified as a Variant of Uncertain Significance.